The following is an entry in ClinVar:

NM_007078.3(LDB3):c.991G>A (p.Ala331Thr)

Gene: LDB3 (LIM domain binding 3; plus strand). Cytogenetic location: 10q23.2.
Variant type: single nucleotide variant.
Coding change: c.991G>A on transcript NM_007078.3 (MANE Select); coding-DNA position 991, G replaced by A.
Protein change: p.Ala331Thr; replaces alanine 331 with threonine.
Molecular consequence: missense variant. On other transcripts: intron variant (4).
Genome position (GRCh38, 1-based): chr10:86,706,625, G>A. VCF-style: chr10-86706625-G-A. GRCh37 (hg19) VCF-style: chr10-88466382-G-A.
Other names: c.850G>A, p.Ala284Thr (NM_001368066.1); c.897-3280G>A (NM_001368064.1, NM_001368065.1); c.1101-3280G>A (NM_001171610.2); c.756-3280G>A (NM_001080114.2); short protein forms A331T, A284T.
Identifiers: ClinVar variation 228797 (VCV000228797.25), dbSNP rs749520121, ClinGen allele CA5585025.

ClinVar aggregate classification (germline): Conflicting classifications of pathogenicity. Review status: criteria provided, conflicting classifications (1 of 4 stars). 6 submissions from 6 submitters: Uncertain significance (3); Likely benign (3). Last evaluated 2025-11-24.

Conditions:
Cardiovascular phenotype. Identifiers: MedGen CN230736.
Myofibrillar myopathy 4. Also called: Zaspopathy (type). Identifiers: Orphanet 98912, MedGen C4721886, MONDO:0012277, OMIM 609452.

Allele frequency attached by ClinVar (database versions not stated): gnomAD 0.00001; ExAC 0.00002; gnomAD exomes 0.00002 and 0.00005; TOPMed 0.00003.
gnomAD v4.1: 69 of 1,613,072 alleles (0.0043%); highest among the groups gnomAD compares: Non-Finnish European, 0.0046%; no homozygotes.

Submissions (6):

Labcorp Genetics (formerly Invitae), Labcorp
Classification: Uncertain significance for Myofibrillar myopathy 4. Last evaluated: 2025-11-24. Review status: criteria provided, single submitter. Criteria: Invitae Variant Classification Sherloc (09022015). Collection method: clinical testing. Allele origin: germline.
Comment: The LDB3 gene has multiple clinically relevant transcripts. This variant occurs in alternate transcript NM_007078.3, and corresponds to NM_001080116.1:c.*7251G>A in the primary transcript. This sequence change replaces alanine, which is neutral and non-polar, with threonine, which is neutral and polar, at codon 331 of the LDB3 protein (p.Ala331Thr). This variant is present in population databases (rs749520121, gnomAD 0.02%). This variant has not been reported in the literature in individuals affected with LDB3-related conditions. ClinVar contains an entry for this variant (Variation ID: 228797). Experimental studies and prediction algorithms are not available or were not evaluated, and the functional significance of this variant is currently unknown. In summary, the available evidence is currently insufficient to determine the role of this variant in disease. Therefore, it has been classified as a Variant of Uncertain Significance.

GeneDx
Classification: Uncertain significance. Last evaluated: 2024-09-26. Review status: criteria provided, single submitter. Criteria: GeneDx Variant Classification Process June 2021. Collection method: clinical testing. Allele origin: germline. Affected: yes.
Comment: In silico analysis supports that this missense variant does not alter protein structure/function; Reported using an alternate transcript of the gene; This variant is associated with the following publications: (PMID: 31983221)

Blueprint Genetics
Classification: Likely benign. Last evaluated: 2024-09-18. Review status: criteria provided, single submitter. Criteria: ACMG Guidelines, 2015. Collection method: clinical testing. Allele origin: germline.

Mayo Clinic Laboratories, Mayo Clinic
Classification: Uncertain significance. Last evaluated: 2021-03-10. Review status: criteria provided, single submitter. Criteria: ACMG Guidelines, 2015. Collection method: clinical testing. Allele origin: germline. Observed: 1 variant allele.

Ambry Genetics
Classification: Likely benign for Cardiovascular phenotype. Last evaluated: 2019-03-28. Review status: criteria provided, single submitter. Criteria: Ambry Variant Classification Scheme 2023. Collection method: clinical testing. Allele origin: germline.

Laboratory for Molecular Medicine, Mass General Brigham Personalized Medicine
Classification: Likely benign. Last evaluated: 2017-11-17. Review status: criteria provided, single submitter. Criteria: LMM Criteria. Collection method: clinical testing. Allele origin: germline. Observed: 2 variant alleles.
Comment: In addition, computational prediction tools and conservation analysis sug gest that the p.Ala331Thr variant may not impact the protein. The variant was al so identified in 0.02% (2/10126) of Ashkenazi Jewish and 5/125880 European chrom osomes by the Genome Aggregation Database (gnomAD. org; dbSNP rs749520121). ACMG/AMP Criteria applied: BS2, BP4, BP5.